The following is an entry in ClinVar:

NM_001349253.2(SCN11A):c.2531G>A (p.Cys844Tyr)

Gene: SCN11A (sodium voltage-gated channel alpha subunit 11; minus strand). Cytogenetic location: 3p22.2.
Variant type: single nucleotide variant.
Coding change: c.2531G>A on transcript NM_001349253.2 (MANE Select); coding-DNA position 2531, G replaced by A.
Protein change: p.Cys844Tyr; replaces cysteine 844 with tyrosine.
Molecular consequence: missense variant.
Genome position (GRCh38, 1-based): chr3:38,894,837, C>T on the plus strand (G>A on the coding strand, the complement: SCN11A is on the minus strand). VCF-style: chr3-38894837-C-T. GRCh37 (hg19) VCF-style: chr3-38936328-C-T.
Other names: c.2531G>A, p.Cys844Tyr (NM_014139.3); short protein forms C844Y.
Identifiers: ClinVar variation 851378 (VCV000851378.7), dbSNP rs753346948, ClinGen allele CA2322019.

ClinVar aggregate classification (germline): Uncertain significance. Review status: criteria provided, multiple submitters, no conflicts (2 of 4 stars). 2 submissions from 2 submitters: Uncertain significance (2). Last evaluated 2026-02-01.

Conditions:
SCN11A-related disorder. Also called: SCN11A-related condition.
Hereditary sensory and autonomic neuropathy type 7. Also called: HSAN VII; Neuropathy, hereditary sensory and autonomic, type VII. Identifiers: Orphanet 391397, MedGen C3809882, MONDO:0014244, OMIM 615548.
Familial episodic pain syndrome with predominantly lower limb involvement. Also called: Episodic pain syndrome, familial, 3. Identifiers: Orphanet 391384, Orphanet 391392, MedGen C3809899, MONDO:0014247, OMIM 615552.

Allele frequency attached by ClinVar (database versions not stated): ExAC 0.00002; gnomAD exomes 0.00002; TOPMed 0.00003.
gnomAD v4.1: 30 of 1,614,166 alleles (0.0019%); highest among the groups gnomAD compares: Non-Finnish European, 0.0023%; no homozygotes.

Submissions (2):

PreventionGenetics, part of Exact Sciences
Classification: Uncertain significance for SCN11A-related condition. Last evaluated: 2026-02-01. Review status: criteria provided, single submitter. Criteria: ACMG Guidelines, 2015. Collection method: clinical testing. Allele origin: germline.
Comment: The SCN11A c.2531G>A variant is predicted to result in the amino acid substitution p.Cys844Tyr. This variant has been reported as a "probably non-pathogenic" variant in an individual with sudden unexpected death in epilepsy (Coll et al. 2015. PubMed ID: 26423924). This variant is reported in 0.0053% of alleles in individuals of European (non-Finnish) descent in gnomAD. At this time, the clinical significance of this variant is uncertain due to the absence of conclusive functional and genetic evidence.

Labcorp Genetics (formerly Invitae), Labcorp
Classification: Uncertain significance for Familial episodic pain syndrome with predominantly lower limb involvement; Hereditary sensory and autonomic neuropathy type 7. Last evaluated: 2025-12-30. Review status: criteria provided, single submitter. Criteria: Invitae Variant Classification Sherloc (09022015). Collection method: clinical testing. Allele origin: germline.
Comment: This sequence change replaces cysteine, which is neutral and slightly polar, with tyrosine, which is neutral and polar, at codon 844 of the SCN11A protein (p.Cys844Tyr). This variant is present in population databases (rs753346948, gnomAD 0.005%). This missense change has been observed in individual(s) with sudden unexpected death in epilepsy (PMID: 26423924). ClinVar contains an entry for this variant (Variation ID: 851378). Invitae Evidence Modeling of protein sequence and biophysical properties (such as structural, functional, and spatial information, amino acid conservation, physicochemical variation, residue mobility, and thermodynamic stability) indicates that this missense variant is not expected to disrupt SCN11A protein function with a negative predictive value of 80%. In summary, the available evidence is currently insufficient to determine the role of this variant in disease. Therefore, it has been classified as a Variant of Uncertain Significance.

Literature cited by the submitters: PubMed 26423924 (cited by Labcorp Genetics (formerly Invitae), Labcorp).